The following is an entry in ClinVar:

ClinVar aggregate classification (germline): Uncertain significance (1 of 4 stars; one submission).

Submission:

Labcorp Genetics (formerly Invitae), Labcorp
Classification: Uncertain significance. Last evaluated: 2023-10-14. Review status: criteria provided, single submitter. Criteria: Invitae Variant Classification Sherloc (09022015). Collection method: clinical testing. Allele origin: germline.
Comment: This variant, c.955_966del, results in the deletion of 4 amino acid(s) of the CD55 protein (p.Lys319_Thr322del), but otherwise preserves the integrity of the reading frame. This variant is not present in population databases (gnomAD no frequency). This variant has not been reported in the literature in individuals affected with CD55-related conditions. Experimental studies and prediction algorithms are not available or were not evaluated, and the functional significance of this variant is currently unknown. In summary, the available evidence is currently insufficient to determine the role of this variant in disease. Therefore, it has been classified as a Variant of Uncertain Significance.

NM_000574.5(CD55):c.943AAAACCACCACA[1] (p.315KTTT[1])

Gene: CD55 (CD55 molecule (Cromer blood group); plus strand). Cytogenetic location: 1q32.2.
Variant type: Microsatellite.
Coding change: c.943AAAACCACCACA[1] on transcript NM_000574.5 (MANE Select); one copy of the 12-base unit AAAACCACCACA starting at c.943; the reference has two copies in a row; one copy, 12 bases deleted.
Protein change: p.315KTTT[1].
Molecular consequence: inframe deletion. On other transcripts: non-coding transcript variant (1).
Genome position (GRCh38, 1-based): chr1:207,336,794-207,336,805, AAAACCACCACA deleted; deleting any 12 consecutive bases within chr1:207,336,782-207,336,805 gives the same sequence; the position shown is the placement nearest the transcript's 3' end. VCF-style (leftmost placement, unchanged base first): chr1-207336781-GAAAACCACCACA-G. GRCh37 (hg19) VCF-style: chr1-207510126-GAAAACCACCACA-G.
Other names: c.943AAAACCACCACA[1], p.315KTTT[1] (NM_001114752.3, NM_001300902.2, NM_001300903.2 and 1 more transcripts).
Identifiers: ClinVar variation 2979026 (VCV002979026.3), dbSNP rs2526985509, ClinGen allele CA2573994058.